The following is an entry in ClinVar:

ClinVar aggregate classification (germline): Uncertain significance (1 of 4 stars; one submission).

Submission:

Labcorp Genetics (formerly Invitae), Labcorp
Classification: Uncertain significance. Last evaluated: 2024-09-09. Review status: criteria provided, single submitter. Criteria: Invitae Variant Classification Sherloc (09022015). Collection method: clinical testing. Allele origin: germline.
Comment: This sequence change falls in intron 5 of the FAR1 gene. It does not directly change the encoded amino acid sequence of the FAR1 protein. This variant is not present in population databases (gnomAD no frequency). This variant has not been reported in the literature in individuals affected with FAR1-related conditions. Algorithms developed to predict the effect of sequence changes on RNA splicing suggest that this variant may disrupt the consensus splice site. In summary, the available evidence is currently insufficient to determine the role of this variant in disease. Therefore, it has been classified as a Variant of Uncertain Significance.

NM_032228.6(FAR1):c.724-8G>A

Gene: FAR1 (fatty acyl-CoA reductase 1; plus strand). Cytogenetic location: 11p15.3.
Variant type: single nucleotide variant.
Coding change: c.724-8G>A on transcript NM_032228.6 (MANE Select); 8 bases into the intron before coding-DNA position 724, G replaced by A.
Molecular consequence: intron variant.
Genome position (GRCh38, 1-based): chr11:13,711,756, G>A. VCF-style: chr11-13711756-G-A. GRCh37 (hg19) VCF-style: chr11-13733303-G-A.
Identifiers: ClinVar variation 3667526 (VCV003667526.2).